The following is an entry in ClinVar:

ClinVar aggregate classification (germline): Uncertain significance (1 of 4 stars; one submission).

Conditions:
Hereditary cancer-predisposing syndrome. Also called: Hereditary neoplastic syndrome; Neoplastic Syndromes, Hereditary; Tumor predisposition; Hereditary Cancer Syndrome. Identifiers: Orphanet 140162, MedGen C0027672, MeSH D009386, MONDO:0015356.

Submission:

Ambry Genetics
Classification: Uncertain significance for Hereditary cancer-predisposing syndrome. Last evaluated: 2026-05-18. Review status: criteria provided, single submitter. Criteria: Ambry Variant Classification Scheme 2023. Collection method: clinical testing. Allele origin: germline.
Comment: The c.317-5T>C intronic variant results from a T to C substitution 5 nucleotides upstream from coding exon 3 in the BRCA2 gene. This nucleotide position is highly conserved in available vertebrate species. In silico splice site analysis predicts that this alteration will weaken the native splice acceptor site. RNA studies have demonstrated that this variant results in a splice defect; the clinical impact of this abnormal splicing is unknown at this time (Ambry internal data). Based on the available evidence, the clinical significance of this variant remains unclear.

NM_000059.4(BRCA2):c.317-5T>C

Gene: BRCA2 (BRCA2 DNA repair associated; plus strand). Cytogenetic location: 13q13.1.
Variant type: single nucleotide variant.
Coding change: c.317-5T>C on transcript NM_000059.4 (MANE Select); 5 bases into the intron before coding-DNA position 317, T replaced by C.
Molecular consequence: intron variant.
Genome position (GRCh38, 1-based): chr13:32,325,071, T>C. VCF-style: chr13-32325071-T-C. GRCh37 (hg19) VCF-style: chr13-32899208-T-C.
Other names: c.317-5T>C (NM_001432077.1, NM_001406720.1, NM_001406719.1 and 1 more transcripts); c.-53-5T>C (NM_001406722.1).
Identifiers: ClinVar variation 4826882 (VCV004826882.2).